The following is an entry in ClinVar:

NM_001365902.3(NFIX):c.1063G>A (p.Ala355Thr)

Gene: NFIX (nuclear factor I X; plus strand). Cytogenetic location: 19p13.13.
Variant type: single nucleotide variant.
Coding change: c.1063G>A on transcript NM_001365902.3 (MANE Select); coding-DNA position 1063, G replaced by A.
Protein change: p.Ala355Thr; replaces alanine 355 with threonine.
Molecular consequence: missense variant. On other transcripts: intron variant (3).
Genome position (GRCh38, 1-based): chr19:13,078,720, G>A. VCF-style: chr19-13078720-G-A. GRCh37 (hg19) VCF-style: chr19-13189534-G-A.
Other names: c.1087G>A, p.Ala363Thr (NM_001271043.2); c.1039G>A, p.Ala347Thr (NM_001271044.3, NM_001378404.1); c.922G>A, p.Ala308Thr (NM_001365983.2); c.1060G>A, p.Ala354Thr (NM_001365984.2, NM_001365985.2); c.1111G>A, p.Ala371Thr (NM_001378405.1); c.1063G>A, p.Ala355Thr (NM_002501.4); c.956-2960G>A (NM_001365982.2); c.932-2960G>A (NM_001440616.1, NM_001440617.1); short protein forms A363T, A371T, A308T, A354T, A355T, A347T.
Identifiers: ClinVar variation 4996603 (VCV004996603.1).

ClinVar aggregate classification (germline): Uncertain significance (1 of 4 stars; one submission).

Conditions:
NFIX-related disorder. Also called: NFIX-related condition.

Submission:

PreventionGenetics, part of Exact Sciences
Classification: Uncertain significance for NFIX-related condition. Last evaluated: 2026-03-24. Review status: criteria provided, single submitter. Criteria: ACMG Guidelines, 2015. Collection method: clinical testing. Allele origin: germline.
Comment: The NFIX c.1063G>A variant is predicted to result in the amino acid substitution p.Ala355Thr. To our knowledge, this variant has not been reported in the literature or in a large population database (gnomAD), indicating this variant is rare. At this time, the clinical significance of this variant is uncertain due to the absence of conclusive functional and genetic evidence.